The following is an entry in ClinVar:

ClinVar aggregate classification (germline): Pathogenic/Likely pathogenic. Review status: criteria provided, multiple submitters, no conflicts (2 of 4 stars). 4 submissions from 4 submitters: Pathogenic (2); Likely pathogenic (2). Last evaluated 2026-04-28.

Conditions:
Retinal disorder. Also called: Retinal disorders; Retinopathies; Retinal Diseases; Retinopathy. Identifiers: MedGen C0035309, MONDO:0005283, HP:0000488.
PCARE-related disorder. Also called: PCARE-related condition.

Allele frequency attached by ClinVar (database versions not stated): gnomAD 0.00001; TOPMed 0.00002.
gnomAD v4.1: 30 of 1,614,120 alleles (0.0019%); highest among the groups gnomAD compares: Non-Finnish European, 0.0023%; no homozygotes.

Submissions (4):

Genetics Laboratory, Great Ormond Street Hospital NHS Foundation Trust, North Thames Genomic Laboratory Hub
Classification: Pathogenic for Retinal disorders. Last evaluated: 2026-04-28. Review status: criteria provided, single submitter. Criteria: ACGS Best Practice Guidelines for Variant Classification in Rare Disease 2024 v1.2. Collection method: clinical testing. Allele origin: germline. Affected: yes.
Comment: PM2_moderate, PVS1_very-strong

PreventionGenetics, part of Exact Sciences
Classification: Likely pathogenic for PCARE-related condition. Last evaluated: 2025-02-05. Review status: criteria provided, single submitter. Criteria: ACMG Guidelines, 2015. Collection method: clinical testing. Allele origin: germline.
Comment: The PCARE c.2086C>T variant is predicted to result in premature protein termination (p.Gln696*). To our knowledge, this variant has not been reported in the literature or in a large population database (gnomAD), indicating this variant is rare. Nonsense variants in PCARE are expected to be pathogenic. This variant is interpreted as likely pathogenic.

Labcorp Genetics (formerly Invitae), Labcorp
Classification: Pathogenic. Last evaluated: 2023-09-06. Review status: criteria provided, single submitter. Criteria: Invitae Variant Classification Sherloc (09022015). Collection method: clinical testing. Allele origin: germline.
Comment: For these reasons, this variant has been classified as Pathogenic. This variant has not been reported in the literature in individuals affected with PCARE-related conditions. This variant is not present in population databases (gnomAD no frequency). This sequence change creates a premature translational stop signal (p.Gln696*) in the PCARE gene. It is expected to result in an absent or disrupted protein product. Loss-of-function variants in PCARE are known to be pathogenic (PMID: 20398886, 24339724, 26496393).

Blueprint Genetics
Classification: Likely pathogenic for PCARE-related disorders. Last evaluated: 2022-03-16. Review status: criteria provided, single submitter. Criteria: ACMG Guidelines, 2015. Collection method: clinical testing. Allele origin: germline. Affected: yes. Observed: 1 variant allele.

Literature cited by the submitters: PubMed 20398886 (cited by Labcorp Genetics (formerly Invitae), Labcorp); PubMed 24339724 (cited by Labcorp Genetics (formerly Invitae), Labcorp); PubMed 26496393 (cited by Labcorp Genetics (formerly Invitae), Labcorp).

NM_001029883.3(PCARE):c.2086C>T (p.Gln696Ter)

Gene: PCARE (photoreceptor cilium actin regulator; minus strand). Cytogenetic location: 2p23.2.
Variant type: single nucleotide variant.
Coding change: c.2086C>T on transcript NM_001029883.3 (MANE Select); coding-DNA position 2086, C replaced by T.
Protein change: p.Gln696Ter; replaces glutamine 696 with a stop codon.
Molecular consequence: nonsense.
Genome position (GRCh38, 1-based): chr2:29,072,176, G>A on the plus strand (C>T on the coding strand, the complement: PCARE is on the minus strand). VCF-style: chr2-29072176-G-A. GRCh37 (hg19) VCF-style: chr2-29295042-G-A.
Other names: c.2086C>T (NM_001029883.2); short protein forms Q696*.
Identifiers: ClinVar variation 2978567 (VCV002978567.6), dbSNP rs1253293795, ClinGen allele CA346478270.